The following is an entry in ClinVar:

ClinVar aggregate classification (germline): Uncertain significance (1 of 4 stars; one submission).

Submission:

CeGaT Center for Human Genetics Tuebingen
Classification: Uncertain significance. Last evaluated: 2022-06-01. Review status: criteria provided, single submitter. Criteria: CeGaT Center For Human Genetics Tuebingen Variant Classification Criteria Version 2. Collection method: clinical testing. Allele origin: germline. Affected: yes. Observed: 1 variant allele.
Comment: GATA5: PM2, PP3

NM_080473.5(GATA5):c.30C>G (p.Ser10Arg)

Gene: GATA5 (GATA binding protein 5; minus strand). Cytogenetic location: 20q13.33.
Variant type: single nucleotide variant.
Coding change: c.30C>G on transcript NM_080473.5 (MANE Select); coding-DNA position 30, C replaced by G.
Protein change: p.Ser10Arg; replaces serine 10 with arginine.
Molecular consequence: missense variant.
Genome position (GRCh38, 1-based): chr20:62,475,492, G>C on the plus strand (C>G on the coding strand, the complement: GATA5 is on the minus strand). VCF-style: chr20-62475492-G-C. GRCh37 (hg19) VCF-style: chr20-61050548-G-C.
Other names: short protein forms S10R.
Identifiers: ClinVar variation 2652498 (VCV002652498.24), dbSNP rs782819196, ClinGen allele CA409558049.